The following is an entry in ClinVar:

ClinVar aggregate classification (germline): Benign (1 of 4 stars; one submission).

Conditions:
Leigh syndrome (NULS). Also called: Leigh's necrotizing encephalopathy; Leigh's disease; Leigh's syndrome; LEIGH SYNDROME, NUCLEAR; Leigh Syndrome (mtDNA deletion); Leigh Disease. Identifiers: Orphanet 506, MedGen C2931891, MONDO:0009723, OMIM 256000.

Submission:

Wong Mito Lab, Molecular and Human Genetics, Baylor College of Medicine
Classification: Benign for Leigh syndrome. Last evaluated: 2019-10-17. Review status: criteria provided, single submitter. Criteria: Modified ACMG Guidelines (Unpublished). Collection method: clinical testing. Allele origin: germline.
Comment: The NC_012920.1:m.14258G>A (YP_003024037.1:p.Pro139Leu) variant in MTND6 gene is interpretated to be a Benign variant based on the modified ACMG guidelines (unpublished). This variant meets the following evidence codes: BS1, BS4, BP4, BP5

NC_012920.1(MT-ND6):m.14258G>A

Gene: MT-ND6 (mitochondrially encoded NADH dehydrogenase 6; minus strand).
Variant type: single nucleotide variant.
Genome position: chrM-14258-G-A.
Identifiers: ClinVar variation 693699 (VCV000693699.1), dbSNP rs202227543, ClinGen allele CA337099972.